The following is an entry in ClinVar:

NM_000051.4(ATM):c.6994C>G (p.Leu2332Val)

Genes: ATM (ATM serine/threonine kinase; plus strand), C11orf65 (chromosome 11 open reading frame 65; minus strand). Cytogenetic location: 11q22.3.
Variant type: single nucleotide variant.
Coding change: c.6994C>G on transcript NM_000051.4 (MANE Select); coding-DNA position 6994, C replaced by G.
Protein change: p.Leu2332Val; replaces leucine 2332 with valine.
Molecular consequence: missense variant. On other transcripts: intron variant (2).
Genome position (GRCh38, 1-based): chr11:108,327,663, C>G. VCF-style: chr11-108327663-C-G. GRCh37 (hg19) VCF-style: chr11-108198390-C-G.
Other names: c.6994C>G, p.Leu2332Val (NM_001351834.2); c.641-18592G>C (NM_001330368.2); c.*38+7557G>C (NM_001351110.2); short protein forms L2332V.
Identifiers: ClinVar variation 826755 (VCV000826755.26), dbSNP rs762427092, ClinGen allele CA382558622.

ClinVar aggregate classification (germline): Conflicting classifications of pathogenicity. Review status: criteria provided, conflicting classifications (1 of 4 stars). 3 submissions from 3 submitters: Uncertain significance (1); Likely benign (1). 1 of the submissions does not count toward it. Last evaluated 2025-03-25.

Conditions:
Hereditary cancer-predisposing syndrome. Also called: Tumor predisposition; Neoplastic Syndromes, Hereditary; Hereditary Cancer Syndrome; Hereditary neoplastic syndrome. Identifiers: Orphanet 140162, MedGen C0027672, MeSH D009386, MONDO:0015356.
Ataxia-telangiectasia syndrome (AT). Also called: ATAXIA-TELANGIECTASIA, COMPLEMENTATION GROUP A; ATAXIA-TELANGIECTASIA, FRESNO VARIANT; Ataxia-telangiectasia; Ataxia-telangiectasia, complementation group D; AT, COMPLEMENTATION GROUP C; Ataxia-telangiectasia, complementation group E. Identifiers: Orphanet 100, MedGen C0004135, MONDO:0008840, OMIM 208900.

Allele frequency attached by ClinVar (database versions not stated): TOPMed below 0.00001.

Submissions (3):

Ambry Genetics
Classification: Likely benign for Hereditary cancer-predisposing syndrome. Last evaluated: 2025-03-25. Review status: criteria provided, single submitter. Criteria: Ambry Variant Classification Scheme 2023. Collection method: clinical testing. Allele origin: germline.

Labcorp Genetics (formerly Invitae), Labcorp
Classification: Uncertain significance for Ataxia-telangiectasia syndrome. Last evaluated: 2023-06-19. Review status: criteria provided, single submitter. Criteria: Invitae Variant Classification Sherloc (09022015). Collection method: clinical testing. Allele origin: germline.
Comment: This sequence change replaces leucine, which is neutral and non-polar, with valine, which is neutral and non-polar, at codon 2332 of the ATM protein (p.Leu2332Val). This variant is not present in population databases (gnomAD no frequency). This variant has not been reported in the literature in individuals affected with ATM-related conditions. ClinVar contains an entry for this variant (Variation ID: 826755). Algorithms developed to predict the effect of missense changes on protein structure and function output the following: SIFT: "Not Available"; PolyPhen-2: "Benign"; Align-GVGD: "Not Available". The valine amino acid residue is found in multiple mammalian species, which suggests that this missense change does not adversely affect protein function. In summary, the available evidence is currently insufficient to determine the role of this variant in disease. Therefore, it has been classified as a Variant of Uncertain Significance.

Natera, Inc.
Classification: Uncertain significance for Ataxia-telangiectasia. Last evaluated: 2021-01-06. Review status: no assertion criteria provided. Collection method: clinical testing. Allele origin: germline. Not counted in ClinVar's aggregate classification.